The following is an entry in ClinVar:

NC_000012.11:g.(?_133236030)_(133676672_?)del

Genes: ANKLE2 (ankyrin repeat and LEM domain containing 2; minus strand), CHFR (checkpoint with forkhead and ring finger domains; minus strand), GOLGA3 (golgin A3; minus strand), PGAM5 (PGAM family member 5, mitochondrial serine/threonine protein phosphatase; plus strand), POLE (DNA polymerase epsilon, catalytic subunit; minus strand) and 5 more. Cytogenetic location: 12q24.33.
Variant type: Deletion.
Identifiers: ClinVar variation 1425930 (VCV001425930.7).

ClinVar aggregate classification (germline): Pathogenic (1 of 4 stars; one submission).

Submission:

Labcorp Genetics (formerly Invitae), Labcorp
Classification: Pathogenic. Last evaluated: 2022-05-12. Review status: criteria provided, single submitter. Criteria: Invitae Variant Classification Sherloc (09022015). Collection method: clinical testing. Allele origin: germline.
Comment: For these reasons, this variant has been classified as Pathogenic. This variant has not been reported in the literature in individuals affected with POLE-related conditions. This variant results in the deletion of exons 1-25 and part of exon 26 and insertion of 22 nucleotides (c.-412771_3126delins22) of the POLE gene. It is expected to result in an absent or disrupted protein product. Loss-of-function variants in POLE are known to be pathogenic (PMID: 23230001, 25948378, 30503519).

Literature cited by the submitters: PubMed 23230001; PubMed 25948378; PubMed 30503519.